The following is an entry in ClinVar:

NM_001083116.3(PRF1):c.150del (p.Thr51fs)

Gene: PRF1 (perforin 1; minus strand). Cytogenetic location: 10q22.1.
Variant type: Deletion.
Coding change: c.150del on transcript NM_001083116.3 (MANE Select); coding-DNA position 150, one base deleted (G; older notation c.150delG).
Protein change: p.Thr51fs; shifts the reading frame from threonine 51.
Molecular consequence: frameshift variant.
Genome position (GRCh38, 1-based): chr10:70,600,753, C deleted on the plus strand (G on the coding strand, the reverse complement: PRF1 is on the minus strand). VCF-style (leftmost placement, unchanged base first): chr10-70600752-TC-T. GRCh37 (hg19) VCF-style: chr10-72360508-TC-T.
Other names: c.150del (NM_001083116.1); c.150del, p.Thr51fs (NM_005041.6); c.150delG (NM_001083116.3); short protein forms T51fs.
Identifiers: ClinVar variation 2498463 (VCV002498463.35), dbSNP rs1306495405, ClinGen allele CA470280180.
Genomic context (GRCh38, chr10:70,600,752, plus strand): 5'-CGTCGGGCCGCAGGAACCTTTGTGTGTCCACTGGGAAGGAGCCCGAGCGGCGGAGGCTGG[TC>T]ACGTCCACACCCTCCCCGGCCAGCCATGCACCAGGCACGAACTTGTGGCTGCGCTTGCAC-3'

ClinVar aggregate classification (germline): Pathogenic. Review status: criteria provided, multiple submitters, no conflicts (2 of 4 stars). 6 submissions from 6 submitters: Pathogenic (6). Last evaluated 2026-01-01.

Conditions:
Aplastic anemia. Identifiers: Orphanet 182040, Orphanet 88, MedGen C0002874, MONDO:0015909, OMIM 609135, HP:0001915.
Familial hemophagocytic lymphohistiocytosis 2 (FHL2). Also called: PRF1-Related Familial Hemophagocytic Lymphohistiocytosis (PRF1-fHLH). Identifiers: Orphanet 540, MedGen C1863727, MONDO:0011337, OMIM 603553.
Lymphoma, non-Hodgkin, familial. Identifiers: MedGen C4721532, MONDO:0011508, OMIM 605027.
Familial hemophagocytic lymphohistiocytosis (FHL). Also called: Hereditary hemophagocytic lymphohistiocytosis; Familial erythrophagocytic lymphohistiocytosis; Familial histiocytic reticulosis. Identifiers: Orphanet 158038, Orphanet 540, MedGen C0272199, MONDO:0015541.

Allele frequency attached by ClinVar (database versions not stated): gnomAD 0.00001; TOPMed 0.00001; gnomAD exomes 0.00005.

Submissions (6):

CeGaT Center for Human Genetics Tuebingen
Classification: Pathogenic. Last evaluated: 2026-01-01. Review status: criteria provided, single submitter. Criteria: CeGaT Center For Human Genetics Tuebingen Variant Classification Criteria Version 2. Collection method: clinical testing. Allele origin: germline. Affected: yes. Observed: 4 variant alleles.
Comment: PRF1: PVS1, PM3:Strong, PM2, PP4

Labcorp Genetics (formerly Invitae), Labcorp
Classification: Pathogenic for Familial hemophagocytic lymphohistiocytosis 2. Last evaluated: 2025-10-27. Review status: criteria provided, single submitter. Criteria: Invitae Variant Classification Sherloc (09022015). Collection method: clinical testing. Allele origin: germline.
Comment: This sequence change creates a premature translational stop signal (p.Thr51Profs*56) in the PRF1 gene. It is expected to result in an absent or disrupted protein product. Loss-of-function variants in PRF1 are known to be pathogenic (PMID: 1156555, 16860143). This variant is present in population databases (no rsID available, gnomAD 0.0009%). This premature translational stop signal has been observed in individual(s) with PRF1-related conditions (PMID: 32542393). ClinVar contains an entry for this variant (Variation ID: 2498463). For these reasons, this variant has been classified as Pathogenic.

GeneDx
Classification: Pathogenic. Last evaluated: 2025-07-30. Review status: criteria provided, single submitter. Criteria: GeneDx Variant Classification Process June 2021. Collection method: clinical testing. Allele origin: germline. Affected: yes.
Comment: Frameshift variant predicted to result in protein truncation or nonsense mediated decay in a gene for which loss of function is a known mechanism of disease; Not observed at significant frequency in large population cohorts (gnomAD); This variant is associated with the following publications: (PMID: 17873118, 32542393, 31980526)

Fulgent Genetics
Classification: Pathogenic for Familial hemophagocytic lymphohistiocytosis 2; Lymphoma, non-Hodgkin, familial; Aplastic anemia. Last evaluated: 2024-04-25. Review status: criteria provided, single submitter. Criteria: ACMG Guidelines, 2015. Collection method: clinical testing. Allele origin: germline.

Baylor Genetics
Classification: Pathogenic for Aplastic anemia. Last evaluated: 2024-02-12. Review status: criteria provided, single submitter. Criteria: ACMG Guidelines, 2015. Collection method: clinical testing. Allele origin: unknown.

Women's Health and Genetics/Laboratory Corporation of America, LabCorp
Classification: Pathogenic for Familial hemophagocytic lymphohistiocytosis. Last evaluated: 2024-01-30. Review status: criteria provided, single submitter. Criteria: LabCorp Variant Classification Summary - May 2015. Collection method: clinical testing. Allele origin: germline.
Comment: Variant summary: PRF1 c.150delG (p.Thr51ProfsX56) results in a premature termination codon, predicted to cause absence of the protein due to nonsense mediated decay, a commonly known mechanism for disease. The variant allele was found at a frequency of 4e-06 in 247798 control chromosomes (gnomAD). c.150delG has been reported in the literature in at least one individual affected with Familial Hemophagocytic Lymphohistiocytosis (e.g. Gadoury-Levesque_2020). These data suggest the variant is likely associated with disease. To our knowledge, no experimental evidence demonstrating an impact on protein function has been reported. The following publication has been ascertained in the context of this evaluation (PMID: 32542393). ClinVar contains an entry for this variant (Variation ID: 2498463). Based on the evidence outlined above, the variant was classified as pathogenic.

Literature cited by the submitters: PubMed 1156555 (cited by Labcorp Genetics (formerly Invitae), Labcorp); PubMed 16860143 (cited by Labcorp Genetics (formerly Invitae), Labcorp); PubMed 32542393 (cited by Labcorp Genetics (formerly Invitae), Labcorp and Women's Health and Genetics/Laboratory Corporation of America, LabCorp).